The following is an entry in ClinVar:

NM_001267550.2(TTN):c.49254del (p.Asn16418fs)

Genes: TTN (titin; minus strand), TTN-AS1 (TTN antisense RNA 1; plus strand), LOC126806426 (BRD4-independent group 4 enhancer GRCh37_chr2:179478848-179480047; plus strand). Cytogenetic location: 2q31.2.
Variant type: Deletion.
Coding change: c.49254del on transcript NM_001267550.2 (MANE Select); coding-DNA position 49254, one base deleted (T; older notation c.49254delT).
Protein change: p.Asn16418fs; shifts the reading frame from asparagine 16418.
Molecular consequence: frameshift variant. On other transcripts: non-coding transcript variant (1).
Genome position (GRCh38, 1-based): chr2:178,614,143, A deleted on the plus strand (T on the coding strand, the reverse complement: TTN is on the minus strand). VCF-style (leftmost placement, unchanged base first): chr2-178614142-TA-T. GRCh37 (hg19) VCF-style: chr2-179478869-TA-T.
Other names: c.44331del, p.Asn14777fs (NM_001256850.1); c.22059del, p.Asn7353fs (NM_003319.4); c.41550del, p.Asn13850fs (NM_133378.4); c.22434del, p.Asn7478fs (NM_133432.3); c.22635del, p.Asn7545fs (NM_133437.4); short protein forms N13850fs, N14777fs, N16418fs, N7353fs, N7478fs, N7545fs.
Identifiers: ClinVar variation 4890762 (VCV004890762.1).

ClinVar aggregate classification (germline): Pathogenic (1 of 4 stars; one submission).

Conditions:
Dilated cardiomyopathy 1G (CMD1G). Identifiers: Orphanet 154, MedGen C1858763, MONDO:0011400, OMIM 604145.

Submission:

Institute of Human Genetics, University of Leipzig Medical Center
Classification: Pathogenic for Dilated cardiomyopathy 1G. Last evaluated: 2026-08-26. Review status: criteria provided, single submitter. Criteria: ACMG Guidelines, 2015. Collection method: clinical testing. Allele origin: maternal. Inheritance: Autosomal dominant inheritance. Affected: yes.
Comment: Criteria applied: PVS1,PM2